The following is an entry in ClinVar:

NM_022124.6(CDH23):c.5116C>T (p.Arg1706Cys)

Gene: CDH23 (cadherin related 23; plus strand). Cytogenetic location: 10q22.1.
Variant type: single nucleotide variant.
Coding change: c.5116C>T on transcript NM_022124.6 (MANE Select); coding-DNA position 5116, C replaced by T.
Protein change: p.Arg1706Cys; replaces arginine 1706 with cysteine.
Molecular consequence: missense variant.
Genome position (GRCh38, 1-based): chr10:71,778,237, C>T. VCF-style: chr10-71778237-C-T. GRCh37 (hg19) VCF-style: chr10-73537994-C-T.
Other names: short protein forms R1706C.
Identifiers: ClinVar variation 862333 (VCV000862333.9), dbSNP rs759876454, ClinGen allele CA5545649.

ClinVar aggregate classification (germline): Uncertain significance. Review status: criteria provided, multiple submitters, no conflicts (2 of 4 stars). 7 submissions from 7 submitters: Uncertain significance (6). 1 of the submissions does not count toward it. Last evaluated 2026-09-04.

Conditions:
CDH23-related disorder. Also called: CDH23-related condition; CDH23-related disorders.
Pituitary adenoma 5, multiple types. Identifiers: MedGen C4539685, MONDO:0054601, OMIM 617540.
Autosomal recessive nonsyndromic hearing loss 12. Also called: DEAFNESS, AUTOSOMAL RECESSIVE 12. Identifiers: Orphanet 90636, MedGen C1832394, MONDO:0011067, OMIM 601386.
Usher syndrome type 1D (USH1D). Also called: USHER SYNDROME, TYPE ID. Identifiers: Orphanet 231169, Orphanet 886, MedGen C1832845, MONDO:0010984, OMIM 601067.
Usher syndrome type 1 (USH1). Also called: RETINITIS PIGMENTOSA AND CONGENITAL DEAFNESS. Identifiers: Orphanet 231169, Orphanet 886, MedGen C1568247, MONDO:0010168, OMIM 276900.

Allele frequency attached by ClinVar (database versions not stated): TOPMed 0.00002.
gnomAD v4.1: 69 of 1,613,742 alleles (0.0043%); highest among the groups gnomAD compares: South Asian, 0.041%; 1 homozygote.

Submissions (7):

PreventionGenetics, part of Exact Sciences
Classification: Uncertain significance for CDH23-related condition. Last evaluated: 2026-09-04. Review status: criteria provided, single submitter. Criteria: ACMG Guidelines, 2015. Collection method: clinical testing. Allele origin: germline.
Comment: The CDH23 c.5116C>T variant is predicted to result in the amino acid substitution p.Arg1706Cys. This variant was reported in an individual with hearing loss (Vanniya S et al. 2018. PubMed ID: 29148562); however, a second CDH23 variant was not identified. This variant is reported in 0.049% of alleles in individuals of South Asian descent in gnomAD. Another variant affecting the same amino acid, c.5117G>A, p.(Arg1706His), has been reported in the compound heterozygous state with a second CDH23 variant in an individual with sensorineural hearing loss (Table S1, van Beeck Calkoen et al. 2019. PubMed ID: 31152317). At this time, the clinical significance of this variant is uncertain due to the absence of conclusive functional and genetic evidence.

GeneDx
Classification: Uncertain significance. Last evaluated: 2024-10-08. Review status: criteria provided, single submitter. Criteria: GeneDx Variant Classification Process June 2021. Collection method: clinical testing. Allele origin: germline. Affected: yes.
Comment: Reported in a patient with hearing loss in published literature (PMID: 29148562); In silico analysis supports that this missense variant has a deleterious effect on protein structure/function; This variant is associated with the following publications: (PMID: 35186384, 29148562)

Women's Health and Genetics/Laboratory Corporation of America, LabCorp
Classification: Uncertain significance. Last evaluated: 2024-08-22. Review status: criteria provided, single submitter. Criteria: LabCorp Variant Classification Summary - May 2015. Collection method: clinical testing. Allele origin: germline.
Comment: Variant summary: CDH23 c.5116C>T (p.Arg1706Cys) results in a non-conservative amino acid change in the encoded protein sequence. Three of five in-silico tools predict a damaging effect of the variant on protein function. The variant allele was found at a frequency of 9.6e-05 in 249234 control chromosomes. This frequency is not significantly higher than estimated for a pathogenic variant in CDH23 causing Usher Syndrome (9.6e-05 vs 0.0032), allowing no conclusion about variant significance. c.5116C>T has been reported in the literature in a heterozygous individual affected with Hearing loss (Vanniya_2018) without evidence for causality. These report(s) do not provide unequivocal conclusions about association of the variant with Usher Syndrome. To our knowledge, no experimental evidence demonstrating an impact on protein function has been reported. The following publication have been ascertained in the context of this evaluation (PMID: 29148562). ClinVar contains an entry for this variant (Variation ID: 862333). Based on the evidence outlined above, the variant was classified as uncertain significance.

Blueprint Genetics
Classification: Uncertain significance. Last evaluated: 2023-02-03. Review status: criteria provided, single submitter. Criteria: ACMG Guidelines, 2015. Collection method: clinical testing. Allele origin: germline.

Labcorp Genetics (formerly Invitae), Labcorp
Classification: Uncertain significance. Last evaluated: 2022-07-26. Review status: criteria provided, single submitter. Criteria: Invitae Variant Classification Sherloc (09022015). Collection method: clinical testing. Allele origin: germline.
Comment: This sequence change replaces arginine, which is basic and polar, with cysteine, which is neutral and slightly polar, at codon 1706 of the CDH23 protein (p.Arg1706Cys). This variant is present in population databases (rs759876454, gnomAD 0.05%). This missense change has been observed in individual(s) with deafness (PMID: 29148562). ClinVar contains an entry for this variant (Variation ID: 862333). Algorithms developed to predict the effect of missense changes on protein structure and function are either unavailable or do not agree on the potential impact of this missense change (SIFT: "Deleterious"; PolyPhen-2: "Not Available"; Align-GVGD: "Class C65"). In summary, the available evidence is currently insufficient to determine the role of this variant in disease. Therefore, it has been classified as a Variant of Uncertain Significance.

Fulgent Genetics
Classification: Uncertain significance for Usher syndrome type 1D; Autosomal recessive nonsyndromic hearing loss 12; Pituitary adenoma 5, multiple types. Last evaluated: 2021-07-28. Review status: criteria provided, single submitter. Criteria: ACMG Guidelines, 2015. Collection method: clinical testing. Allele origin: unknown.

Natera, Inc.
Classification: Uncertain significance for Usher syndrome type 1. Last evaluated: 2020-09-16. Review status: no assertion criteria provided. Collection method: clinical testing. Allele origin: germline. Not counted in ClinVar's aggregate classification.

Literature cited by the submitters: PubMed 29148562 (cited by Women's Health and Genetics/Laboratory Corporation of America, LabCorp and Labcorp Genetics (formerly Invitae), Labcorp).